The following is an entry in ClinVar:

ClinVar aggregate classification (germline): Uncertain significance. Review status: criteria provided, multiple submitters, no conflicts (2 of 4 stars). 2 submissions from 2 submitters: Uncertain significance (2). Last evaluated 2023-08-15.

Conditions:
Hereditary cancer-predisposing syndrome. Also called: Neoplastic Syndromes, Hereditary; Tumor predisposition; Hereditary Cancer Syndrome; Hereditary neoplastic syndrome. Identifiers: Orphanet 140162, MedGen C0027672, MeSH D009386, MONDO:0015356.
Familial adenomatous polyposis 1 (FAP1). Also called: FAMILIAL ADENOMATOUS POLYPOSIS 1, ATTENUATED; POLYPOSIS, ADENOMATOUS INTESTINAL. Identifiers: MedGen C2713442, MONDO:0021056, OMIM 175100. Disease mechanism: loss of function.

Submissions (2):

Baylor Genetics
Classification: Uncertain significance for Familial adenomatous polyposis 1. Last evaluated: 2023-08-15. Review status: criteria provided, single submitter. Criteria: ACMG Guidelines, 2015. Collection method: clinical testing. Allele origin: unknown.

Ambry Genetics
Classification: Uncertain significance for Hereditary cancer-predisposing syndrome. Last evaluated: 2021-12-29. Review status: criteria provided, single submitter. Criteria: Ambry Variant Classification Scheme 2023. Collection method: clinical testing. Allele origin: germline.
Comment: The p.H2496Q variant (also known as c.7488T>A), located in coding exon 15 of the APC gene, results from a T to A substitution at nucleotide position 7488. The histidine at codon 2496 is replaced by glutamine, an amino acid with highly similar properties. This amino acid position is well conserved in available vertebrate species. In addition, in silico predictors for this gene do not accurately predict pathogenicity. Since supporting evidence is limited at this time, the clinical significance of this alteration remains unclear.

NM_000038.6(APC):c.7488T>A (p.His2496Gln)

Gene: APC (APC regulator of Wnt signaling pathway; plus strand). Cytogenetic location: 5q22.2.
Variant type: single nucleotide variant.
Coding change: c.7488T>A on transcript NM_000038.6 (MANE Select); coding-DNA position 7488, T replaced by A.
Protein change: p.His2496Gln; replaces histidine 2496 with glutamine.
Molecular consequence: missense variant.
Genome position (GRCh38, 1-based): chr5:112,843,082, T>A. VCF-style: chr5-112843082-T-A. GRCh37 (hg19) VCF-style: chr5-112178779-T-A.
Other names: c.7488T>A, p.His2496Gln (NM_001127510.3, NM_001354895.2, NM_001407450.1); c.7434T>A, p.His2478Gln (NM_001127511.3); c.7542T>A, p.His2514Gln (NM_001354896.2, NM_001407447.1, NM_001407448.1 and 1 more transcripts); c.7518T>A, p.His2506Gln (NM_001354897.2); c.7413T>A, p.His2471Gln (NM_001354898.2); c.7404T>A, p.His2468Gln (NM_001354899.2); c.7365T>A, p.His2455Gln (NM_001354900.2); c.7311T>A, p.His2437Gln (NM_001354901.2, NM_001407453.1); and 11 more; short protein forms H2478Q, H2524Q, H2395Q, H2437Q, H2486Q, H2413Q, H2471Q, H2112Q.
Identifiers: ClinVar variation 1759128 (VCV001759128.3), dbSNP rs1766491374, ClinGen allele CA16037618.